The following is an entry in ClinVar:

ClinVar aggregate classification (germline): Uncertain significance (1 of 4 stars; one submission).

Submission:

Labcorp Genetics (formerly Invitae), Labcorp
Classification: Uncertain significance. Last evaluated: 2024-03-21. Review status: criteria provided, single submitter. Criteria: Invitae Variant Classification Sherloc (09022015). Collection method: clinical testing. Allele origin: germline.
Comment: This sequence change replaces glutamic acid, which is acidic and polar, with lysine, which is basic and polar, at codon 41 of the TNNI3K protein (p.Glu41Lys). This variant is not present in population databases (gnomAD no frequency). This variant has not been reported in the literature in individuals affected with TNNI3K-related conditions. Advanced modeling of protein sequence and biophysical properties (such as structural, functional, and spatial information, amino acid conservation, physicochemical variation, residue mobility, and thermodynamic stability) performed at Invitae indicates that this missense variant is not expected to disrupt TNNI3K protein function with a negative predictive value of 80%. In summary, the available evidence is currently insufficient to determine the role of this variant in disease. Therefore, it has been classified as a Variant of Uncertain Significance.

NM_015978.3(TNNI3K):c.121G>A (p.Glu41Lys)

Genes: TNNI3K (TNNI3 interacting kinase; plus strand), FPGT-TNNI3K (FPGT-TNNI3K readthrough; plus strand). Cytogenetic location: 1p31.1.
Variant type: single nucleotide variant.
Coding change: c.121G>A on transcript NM_015978.3 (MANE Select); coding-DNA position 121, G replaced by A.
Protein change: p.Glu41Lys; replaces glutamic acid 41 with lysine.
Molecular consequence: missense variant.
Genome position (GRCh38, 1-based): chr1:74,236,182, G>A. VCF-style: chr1-74236182-G-A. GRCh37 (hg19) VCF-style: chr1-74701866-G-A.
Other names: c.424G>A, p.Glu142Lys (NM_001112808.3, NM_001199327.2); short protein forms E142K, E41K.
Identifiers: ClinVar variation 3647165 (VCV003647165.2).